The following is an entry in ClinVar:

ClinVar aggregate classification (germline): Uncertain significance (1 of 4 stars; one submission).

Conditions:
Arrhythmogenic cardiomyopathy with wooly hair and keratoderma. Also called: Carvajal syndrome; PALMOPLANTAR KERATODERMA WITH LEFT VENTRICULAR CARDIOMYOPATHY AND WOOLLY HAIR; Dilated cardiomyopathy with woolly hair and keratoderma; Arrhythmogenic cardiomyopathy with woolly hair and keratoderma. Identifiers: Orphanet 65282, MedGen C1854063, MONDO:0011581, OMIM 605676.

Submission:

All of Us Research Program, National Institutes of Health
Classification: Uncertain significance for Arrhythmogenic cardiomyopathy with wooly hair and keratoderma. Last evaluated: 2024-05-09. Review status: criteria provided, single submitter. Criteria: ACMG Guidelines, 2015. Collection method: clinical testing. Allele origin: germline. Inheritance: Autosomal dominant inheritance. Observed: 1 variant allele, 1 heterozygote.
Comment: This study involves interpretation of variants in research participants for the purpose of population health screening. Participant phenotype was not available at the time of variant classification. Additional details can be found in publication PMID: 35346344, PMCID: PMC8962531

NM_004415.4(DSP):c.8093T>G (p.Phe2698Cys)

Gene: DSP (desmoplakin; plus strand). Cytogenetic location: 6p24.3.
Variant type: single nucleotide variant.
Coding change: c.8093T>G on transcript NM_004415.4 (MANE Select); coding-DNA position 8093, T replaced by G.
Protein change: p.Phe2698Cys; replaces phenylalanine 2698 with cysteine.
Molecular consequence: missense variant.
Genome position (GRCh38, 1-based): chr6:7,585,355, T>G. VCF-style: chr6-7585355-T-G. GRCh37 (hg19) VCF-style: chr6-7585588-T-G.
Other names: c.6296T>G, p.Phe2099Cys (NM_001008844.3); c.6764T>G, p.Phe2255Cys (NM_001319034.2); short protein forms F2099C, F2255C, F2698C.
Identifiers: ClinVar variation 3386727 (VCV003386727.1).
Genomic context (GRCh38, chr6:7,585,355, plus strand): 5'-GTGTGATTGACCAAGACATGGCCACCAGGCTGAAGCCTGCTCAGAAAGCCTTCATAGGCT[T>G]CGAGGGTGTGAAGGGAAAGAAGAAGATGTCAGCAGCAGAGGCAGTGAAAGAAAAATGGCT-3'
Protein context (NP_004406.2, residues 2688-2708): LKPAQKAFIG[Phe2698Cys]EGVKGKKKMS